The following is an entry in ClinVar:

NM_001367624.2(ZNF469):c.8428del (p.Ala2810fs)

Gene: ZNF469 (zinc finger protein 469; plus strand). Cytogenetic location: 16q24.2.
Variant type: Deletion.
Coding change: c.8428del on transcript NM_001367624.2 (MANE Select); coding-DNA position 8428, one base deleted (G; older notation c.8428delG).
Protein change: p.Ala2810fs; shifts the reading frame from alanine 2810.
Molecular consequence: frameshift variant.
Genome position (GRCh38, 1-based): chr16:88,435,898, G deleted; the last of 2 consecutive G bases (chr16:88,435,897-88,435,898); deleting either gives the same sequence. VCF-style (leftmost placement, unchanged base first): chr16-88435896-CG-C. GRCh37 (hg19) VCF-style: chr16-88502304-CG-C.
Other names: c.8428delG (NM_001367624.2); short protein forms A2810fs.
Identifiers: ClinVar variation 1683288 (VCV001683288.4), dbSNP rs2142312393, ClinGen allele CA2573152832.

ClinVar aggregate classification (germline): Pathogenic. Review status: criteria provided, multiple submitters, no conflicts (2 of 4 stars). 2 submissions from 2 submitters: Pathogenic (2). Last evaluated 2026-03-31.

Conditions:
Brittle cornea syndrome 1 (BCS1). Also called: CORNEAL FRAGILITY, KERATOGLOBUS, BLUE SCLERAE, JOINT HYPEREXTENSIBILITY; Corneal fragility keratoglobus, blue sclerae AND joint hypermobility; DYSGENESIS MESODERMALIS CORNEAE ET SCLERAE; EDS6B; FRAGILITAS OCULI WITH JOINT HYPEREXTENSIBILITY. Identifiers: Orphanet 90354, MedGen C0268344, MONDO:0024543, OMIM 229200.

Submissions (2):

Women's Health and Genetics/Laboratory Corporation of America, LabCorp
Classification: Pathogenic for Brittle cornea syndrome 1. Last evaluated: 2026-03-31. Review status: criteria provided, single submitter. Criteria: LabCorp Variant Classification Summary - May 2015. Collection method: clinical testing. Allele origin: germline.
Comment: Variant summary: ZNF469 c.8428delG (p.Ala2810ArgfsX60) results in a premature termination codon, predicted to cause a truncation of the encoded protein or absence of the protein due to nonsense mediated decay, which are commonly known mechanisms for disease. The variant was absent in 152944 control chromosomes. To our knowledge, no occurrence of c.8428delG in individuals affected with ZNF469-related conditions and no experimental evidence demonstrating its impact on protein function have been reported. Several downstream truncating variants have been classified as pathogneic or likely pathogenic by our own lab. ClinVar contains an entry for this variant (Variation ID: 1683288). Based on the evidence outlined above, the variant was classified as pathogenic.

Labcorp Genetics (formerly Invitae), Labcorp
Classification: Pathogenic. Last evaluated: 2024-03-03. Review status: criteria provided, single submitter. Criteria: Invitae Variant Classification Sherloc (09022015). Collection method: clinical testing. Allele origin: germline.
Comment: This sequence change creates a premature translational stop signal (p.Ala2782Argfs*60) in the ZNF469 gene. While this is not anticipated to result in nonsense mediated decay, it is expected to disrupt the last 1144 amino acid(s) of the ZNF469 protein. This variant is not present in population databases (gnomAD no frequency). This variant has not been reported in the literature in individuals affected with ZNF469-related conditions. ClinVar contains an entry for this variant (Variation ID: 1683288). This variant disrupts a region of the ZNF469 protein in which other variant(s) (p.Pro3556Glnfs*136) have been determined to be pathogenic (PMID: 32671420). This suggests that this is a clinically significant region of the protein, and that variants that disrupt it are likely to be disease-causing. For these reasons, this variant has been classified as Pathogenic.

Literature cited by the submitters: PubMed 32671420 (cited by Labcorp Genetics (formerly Invitae), Labcorp).